The following is an entry in ClinVar:

ClinVar aggregate classification (germline): Uncertain significance. Review status: criteria provided, multiple submitters, no conflicts (2 of 4 stars). 3 submissions from 3 submitters: Uncertain significance (3). Last evaluated 2025-07-19.

Conditions:
Hereditary cancer-predisposing syndrome. Also called: Tumor predisposition; Neoplastic Syndromes, Hereditary; Hereditary neoplastic syndrome; Hereditary Cancer Syndrome. Identifiers: Orphanet 140162, MedGen C0027672, MeSH D009386, MONDO:0015356.

Submissions (3):

Ambry Genetics
Classification: Uncertain significance for Hereditary cancer-predisposing syndrome. Last evaluated: 2025-07-19. Review status: criteria provided, single submitter. Criteria: Ambry Variant Classification Scheme 2023. Collection method: clinical testing. Allele origin: germline.
Comment: The p.H264Q variant (also known as c.792T>A), located in coding exon 7 of the PMS2 gene, results from a T to A substitution at nucleotide position 792. The histidine at codon 264 is replaced by glutamine, an amino acid with highly similar properties. This amino acid position is conserved. In addition, this alteration is predicted to be tolerated by in silico analysis. Based on the available evidence, the clinical significance of this variant remains unclear.

GeneDx
Classification: Uncertain significance. Last evaluated: 2019-08-19. Review status: criteria provided, single submitter. Criteria: GeneDx Variant Classification Process June 2021. Collection method: clinical testing. Allele origin: germline. Affected: yes.
Comment: Not observed in large population cohorts (Lek et al., 2016); In silico analysis, which includes protein predictors and evolutionary conservation, supports that this variant does not alter protein structure/function; Has not been previously published as pathogenic or benign to our knowledge

Women's Health and Genetics/Laboratory Corporation of America, LabCorp
Classification: Uncertain significance. Last evaluated: 2017-08-09. Review status: criteria provided, single submitter. Criteria: LabCorp Variant Classification Summary - May 2015. Collection method: clinical testing. Allele origin: germline.
Comment: Variant summary: The PMS2 c.792T>A (p.His264Gln) variant causes a missense change involving the alteration of a non-conserved nucleotide located in the Ribosomal protein S5 domain 2-type fold (IPR020568) (InterPro). 4/4 in silico tools predict a benign outcome for this variant (SNPsandGO not captured due to low reliability index). This variant was not found in 106942 control chromosomes within the ExAC control dataset. The variant of interest has not, to our knowledge, been reported in affected individuals via publications and/or reputable databases/clinical diagnostic laboratories; nor evaluated for functional impact by in vivo/vitro studies. Because of the absence of clinical information and the lack of functional studies, the variant is classified as a variant of uncertain significance (VUS).

NM_000535.7(PMS2):c.792T>A (p.His264Gln)

Gene: PMS2 (PMS1 homolog 2, mismatch repair system component; minus strand). Cytogenetic location: 7p22.1.
Variant type: single nucleotide variant.
Coding change: c.792T>A on transcript NM_000535.7 (MANE Select); coding-DNA position 792, T replaced by A.
Protein change: p.His264Gln; replaces histidine 264 with glutamine.
Molecular consequence: missense variant. On other transcripts: 5 prime UTR variant (2), non-coding transcript variant (1).
Genome position (GRCh38, 1-based): chr7:5,997,337, A>T on the plus strand (T>A on the coding strand, the complement: PMS2 is on the minus strand). VCF-style: chr7-5997337-A-T. GRCh37 (hg19) VCF-style: chr7-6036968-A-T.
Other names: c.387T>A, p.His129Gln (NM_001322003.2, NM_001322004.2, NM_001322005.2 and 2 more transcripts); c.792T>A, p.His264Gln (NM_001322006.2, NM_001322014.2); c.474T>A, p.His158Gln (NM_001322007.2, NM_001322008.2); c.-142T>A (NM_001322011.2, NM_001322012.2); c.219T>A, p.His73Gln (NM_001322013.2); c.483T>A, p.His161Gln (NM_001322015.2); short protein forms H264Q, H129Q, H73Q, H158Q, H161Q.
Identifiers: ClinVar variation 496042 (VCV000496042.4), dbSNP rs1554301398, ClinGen allele CA366743626.